The following is an entry in ClinVar:

ClinVar aggregate classification (germline): Pathogenic (1 of 4 stars; one submission).

Conditions:
Hereditary breast ovarian cancer syndrome. Also called: Hereditary breast and ovarian cancer; Breast and ovarian cancer; BRCA1- and BRCA2-Associated Hereditary Breast and Ovarian Cancer; Hereditary breast and/or ovarian cancer syndrome; Hereditary breast and ovarian cancer syndrome; Hereditary breast and ovarian cancer syndrome (HBOC). Identifiers: Orphanet 145, MedGen C0677776, MeSH D061325, MONDO:0003582. Disease mechanism: loss of function.

Submission:

Labcorp Genetics (formerly Invitae), Labcorp
Classification: Pathogenic for Hereditary breast ovarian cancer syndrome. Last evaluated: 2020-09-13. Review status: criteria provided, single submitter. Criteria: Invitae Variant Classification Sherloc (09022015). Collection method: clinical testing. Allele origin: germline.
Comment: This variant has not been reported in the literature in individuals with BRCA2-related conditions. For these reasons, this variant has been classified as Pathogenic. Loss-of-function variants in BRCA2 are known to be pathogenic (PMID: 20104584). This variant is not present in population databases (ExAC no frequency). This sequence change creates a premature translational stop signal (p.Thr3033Valfs*17) in the BRCA2 gene. It is expected to result in an absent or disrupted protein product.

Literature cited by the submitters: PubMed 20104584.

NM_000059.4(BRCA2):c.9078_9096dup (p.Thr3033fs)

Gene: BRCA2 (BRCA2 DNA repair associated; plus strand). Cytogenetic location: 13q13.1.
Variant type: Duplication.
Coding change: c.9078_9096dup on transcript NM_000059.4 (MANE Select); coding-DNA positions 9078 to 9096, 19 bases duplicated (GTTAGCAGCGACAAAAAAA).
Protein change: p.Thr3033fs; shifts the reading frame from threonine 3033.
Molecular consequence: frameshift variant.
Genome position (GRCh38, 1-based): chr13:32,379,874-32,379,892, GTTAGCAGCGACAAAAAAA duplicated; duplicating any 19 consecutive bases within chr13:32,379,873-32,379,892 gives the same sequence; the c. name uses the placement nearest the transcript's 3' end. VCF-style (leftmost placement, unchanged base first): chr13-32379872-C-CAGTTAGCAGCGACAAAAAA. GRCh37 (hg19) VCF-style: chr13-32954009-C-CAGTTAGCAGCGACAAAAAA.
Other names: short protein forms T3033fs.
Identifiers: ClinVar variation 1076421 (VCV001076421.7), dbSNP rs2137623395, ClinGen allele CA2499222362.
Genomic context (GRCh38, chr13:32,379,872, plus strand): 5'-TACAGAATTTATCATCTTGCAACTTCAAAATCTAAAAGTAAATCTGAAAGAGCTAACATA[C>CAGTTAGCAGCGACAAAAAA]AGTTAGCAGCGACAAAAAAAACTCAGTATCAACAACTACCGGTACAAACCTTTCATTGTA-3'